The following is an entry in ClinVar:

NM_007186.6(CEP250):c.868G>T (p.Ala290Ser)

Gene: CEP250 (centrosomal protein 250; plus strand). Cytogenetic location: 20q11.22.
Variant type: single nucleotide variant.
Coding change: c.868G>T on transcript NM_007186.6 (MANE Select); coding-DNA position 868, G replaced by T.
Protein change: p.Ala290Ser; replaces alanine 290 with serine.
Molecular consequence: missense variant. On other transcripts: 5 prime UTR variant (1).
Genome position (GRCh38, 1-based): chr20:35,469,906, G>T. VCF-style: chr20-35469906-G-T. GRCh37 (hg19) VCF-style: chr20-34057731-G-T.
Other names: c.-1032G>T (NM_001318219.1); short protein forms A290S.
Identifiers: ClinVar variation 1002584 (VCV001002584.8), dbSNP rs776921927, ClinGen allele CA9832743.

ClinVar aggregate classification (germline): Uncertain significance (1 of 4 stars; one submission).

Allele frequency attached by ClinVar (database versions not stated): gnomAD exomes below 0.00001 and 0.00001; ExAC 0.00002.

Submission:

Labcorp Genetics (formerly Invitae), Labcorp
Classification: Uncertain significance. Last evaluated: 2022-06-13. Review status: criteria provided, single submitter. Criteria: Invitae Variant Classification Sherloc (09022015). Collection method: clinical testing. Allele origin: germline.
Comment: In summary, the available evidence is currently insufficient to determine the role of this variant in disease. Therefore, it has been classified as a Variant of Uncertain Significance. Algorithms developed to predict the effect of sequence changes on RNA splicing suggest that this variant may create or strengthen a splice site. Algorithms developed to predict the effect of missense changes on protein structure and function are either unavailable or do not agree on the potential impact of this missense change (SIFT: "Not Available"; PolyPhen-2: "Benign"; Align-GVGD: "Not Available"). ClinVar contains an entry for this variant (Variation ID: 1002584). This variant has not been reported in the literature in individuals affected with CEP250-related conditions. This variant is present in population databases (rs776921927, gnomAD 0.003%). This sequence change replaces alanine, which is neutral and non-polar, with serine, which is neutral and polar, at codon 290 of the CEP250 protein (p.Ala290Ser).